The following is an entry in ClinVar:

NM_199420.4(POLQ):c.4667T>A (p.Ile1556Asn)

Gene: POLQ (DNA polymerase theta; minus strand). Cytogenetic location: 3q13.33.
Variant type: single nucleotide variant.
Coding change: c.4667T>A on transcript NM_199420.4 (MANE Select); coding-DNA position 4667, T replaced by A.
Protein change: p.Ile1556Asn; replaces isoleucine 1556 with asparagine.
Molecular consequence: missense variant.
Genome position (GRCh38, 1-based): chr3:121,488,264, A>T on the plus strand (T>A on the coding strand, the complement: POLQ is on the minus strand). VCF-style: chr3-121488264-A-T. GRCh37 (hg19) VCF-style: chr3-121207111-A-T.
Other names: short protein forms I1556N.
Identifiers: ClinVar variation 1742284 (VCV001742284.2), dbSNP rs990954993, ClinGen allele CA81835483.
Genomic context (GRCh38, chr3:121,488,264, plus strand): 5'-AATATATCCACATTGTCCAAAGCTTCAACCATCTGAACAGAATCCATTTCTGAAAATATA[A>T]TAGATTCATCATTGGAACAAGTCAACTGCTGGTGGGTATCTTGATTCTCATTTACATTTG-3'
Protein context (NP_955452.3, residues 1546-1566): QQLTCSNDES[Ile1556Asn]IFSEMDSVQM

ClinVar aggregate classification (germline): Uncertain significance (1 of 4 stars; one submission).

Submission:

Ambry Genetics
Classification: Uncertain significance. Last evaluated: 2022-07-19. Review status: criteria provided, single submitter. Criteria: Ambry Variant Classification Scheme 2023. Collection method: clinical testing. Allele origin: germline.
Comment: The p.I1556N variant (also known as c.4667T>A), located in coding exon 16 of the POLQ gene, results from a T to A substitution at nucleotide position 4667. The isoleucine at codon 1556 is replaced by asparagine, an amino acid with dissimilar properties. This amino acid position is conserved. In addition, this alteration is predicted to be tolerated by in silico analysis. Since supporting evidence is limited at this time, the clinical significance of this alteration remains unclear.